The following is an entry in ClinVar:

NM_000455.5(STK11):c.116_117dup (p.Arg40fs)

Gene: STK11 (serine/threonine kinase 11; plus strand). Cytogenetic location: 19p13.3.
Variant type: Microsatellite.
Coding change: c.116_117dup on transcript NM_000455.5 (MANE Select); coding-DNA positions 116 to 117, 2 bases duplicated (GC; older notation c.116_117dupGC).
Protein change: p.Arg40fs; shifts the reading frame from arginine 40.
Molecular consequence: frameshift variant. On other transcripts: non-coding transcript variant (1).
Genome position (GRCh38, 1-based): chr19:1,207,029-1,207,030, GC duplicated; duplicating any 2 consecutive bases within chr19:1,207,026-1,207,030 gives the same sequence; the c. name uses the placement nearest the transcript's 3' end. VCF-style (leftmost placement, unchanged base first): chr19-1207025-C-CCG. GRCh37 (hg19) VCF-style: chr19-1207024-C-CCG.
Other names: c.116_117dupGC (NM_000455.4); c.114_115GC[3], p.Arg40Alafs (NM_000455.4); c.116_117dup, p.Arg40fs (NM_001407255.1); short protein forms R40fs.
Identifiers: ClinVar variation 3254380 (VCV003254380.2), dbSNP rs2512920978.

ClinVar aggregate classification (germline): Pathogenic. Review status: criteria provided, multiple submitters, no conflicts (2 of 4 stars). 2 submissions from 2 submitters: Pathogenic (2). Last evaluated 2024-04-30.

Conditions:
Hereditary cancer-predisposing syndrome. Also called: Hereditary neoplastic syndrome; Neoplastic Syndromes, Hereditary; Hereditary Cancer Syndrome; Tumor predisposition. Identifiers: Orphanet 140162, MedGen C0027672, MeSH D009386, MONDO:0015356.
Peutz-Jeghers syndrome (PJS). Also called: POLYPOSIS, HAMARTOMATOUS INTESTINAL; POLYPS-AND-SPOTS SYNDROME; Peutz-Jeghers polyposis; Periorificial lentiginosis syndrome. Identifiers: Orphanet 2869, MedGen C0031269, MeSH D010580, MONDO:0008280, OMIM 175200.

Submissions (2):

Myriad Genetics, Inc.
Classification: Pathogenic for Peutz-Jeghers syndrome. Last evaluated: 2024-04-30. Review status: criteria provided, single submitter. Criteria: Myriad Autosomal Dominant, Autosomal Recessive and X-Linked Classification Criteria (2023). Collection method: clinical testing. Allele origin: unknown.
Comment: This variant is considered pathogenic. This variant creates a frameshift predicted to result in premature protein truncation.

Ambry Genetics
Classification: Pathogenic for Hereditary cancer-predisposing syndrome. Last evaluated: 2024-04-12. Review status: criteria provided, single submitter. Criteria: Ambry Variant Classification Scheme 2023. Collection method: clinical testing. Allele origin: germline.
Comment: The c.116_117dupGC pathogenic mutation, located in coding exon 1 of the STK11 gene, results from a duplication of GC at nucleotide position 116, causing a translational frameshift with a predicted alternate stop codon (p.R40Afs*12). This variant has been observed in individuals with a personal and/or family history that is consistent with Peutz-Jeghers syndrome (Nakagawa H et al. Hum Genet, 1998 Aug;103:168-72; Ambry internal data). In addition to the clinical data presented in the literature, this alteration is expected to result in loss of function by premature protein truncation or nonsense-mediated mRNA decay. As such, this alteration is interpreted as a disease-causing mutation.

Literature cited by the submitters: PubMed 9760200 (cited by Ambry Genetics).